The following is an entry in ClinVar:

ClinVar aggregate classification (germline): Likely benign (1 of 4 stars; one submission).

Allele frequency attached by ClinVar (database versions not stated): 1000 Genomes Project 0.00579; 1000 Genomes Project 30x 0.00625; TOPMed 0.00727.
gnomAD v4.1: 1,834 of 1,592,982 alleles (0.12%); highest among the groups gnomAD compares: African/African-American, 2.2%; 21 homozygotes.

Submission:

GeneDx
Classification: Likely benign. Last evaluated: 2019-06-27. Review status: criteria provided, single submitter. Criteria: GeneDx Variant Classification Process June 2021. Collection method: clinical testing. Allele origin: germline. Affected: yes.
Comment: See Variant Classification Assertion Criteria.

NM_001082486.2(ACD):c.829+85G>A

Gene: ACD (ACD shelterin complex subunit and telomerase recruitment factor; minus strand). Cytogenetic location: 16q22.1.
Variant type: single nucleotide variant.
Coding change: c.829+85G>A on transcript NM_001082486.2 (MANE Select); 85 bases into the intron after coding-DNA position 829, G replaced by A.
Molecular consequence: intron variant.
Genome position (GRCh38, 1-based): chr16:67,658,470, C>T on the plus strand (G>A on the coding strand, the complement: ACD is on the minus strand). VCF-style: chr16-67658470-C-T. GRCh37 (hg19) VCF-style: chr16-67692373-C-T.
Other names: c.820+85G>A (NM_022914.3).
Identifiers: ClinVar variation 1804531 (VCV001804531.1), dbSNP rs72549180, ClinGen allele CA283217443.